The following is an entry in ClinVar:

NM_173728.4(ARHGEF15):c.222_223delinsAA (p.Leu75Ile)

Gene: ARHGEF15 (Rho guanine nucleotide exchange factor 15; plus strand). Cytogenetic location: 17p13.1.
Variant type: Indel.
Coding change: c.222_223delinsAA on transcript NM_173728.4 (MANE Select); coding-DNA positions 222 to 223, TC replaced by AA.
Protein change: p.Leu75Ile; replaces leucine 75 with isoleucine.
Molecular consequence: missense variant.
Genome position (GRCh38, 1-based): chr17:8,312,261-8,312,262, TC replaced by AA. VCF-style: chr17-8312261-TC-AA. GRCh37 (hg19) VCF-style: chr17-8215579-TC-AA.
Other names: c.222_223delinsAA, p.Leu75Ile (NM_025014.2); short protein forms L75I.
Identifiers: ClinVar variation 2020832 (VCV002020832.4), dbSNP rs2543926215, ClinGen allele CA2580094944.

ClinVar aggregate classification (germline): Uncertain significance (1 of 4 stars; one submission).

Conditions:
Early-infantile DEE. Also called: Ohtahara syndrome; Early infantile epileptic encephalopathy with suppression bursts; Early infantile epileptic encephalopathy. Identifiers: Orphanet 1934, MedGen C0393706, MONDO:0800491.

Submission:

Labcorp Genetics (formerly Invitae), Labcorp
Classification: Uncertain significance for Early-infantile DEE. Last evaluated: 2022-09-21. Review status: criteria provided, single submitter. Criteria: Invitae Variant Classification Sherloc (09022015). Collection method: clinical testing. Allele origin: germline.
Comment: In summary, the available evidence is currently insufficient to determine the role of this variant in disease. Therefore, it has been classified as a Variant of Uncertain Significance. Experimental studies and prediction algorithms are not available or were not evaluated, and the functional significance of this variant is currently unknown. This variant has not been reported in the literature in individuals affected with ARHGEF15-related conditions. Information on the frequency of this variant in the gnomAD database is not available, as this variant may be reported differently in the database. This sequence change replaces leucine, which is neutral and non-polar, with isoleucine, which is neutral and non-polar, at codon 75 of the ARHGEF15 protein (p.Leu75Ile).